The following is an entry in ClinVar:

ClinVar aggregate classification (germline): Uncertain significance (1 of 4 stars; one submission).

Conditions:
Fanconi anemia (FA). Also called: Fanconi's anemia. Identifiers: Orphanet 84, MedGen C0015625, MeSH D005199, MONDO:0019391.

Allele frequency attached by ClinVar (database versions not stated): TOPMed 0.00001.
gnomAD v4.1: 9 of 1,200,884 alleles (0.00075%); highest among the groups gnomAD compares: East Asian, 0.027%; no homozygotes.

Submission:

Labcorp Genetics (formerly Invitae), Labcorp
Classification: Uncertain significance for Fanconi anemia. Last evaluated: 2025-10-31. Review status: criteria provided, single submitter. Criteria: Invitae Variant Classification Sherloc (09022015). Collection method: clinical testing. Allele origin: germline.
Comment: This sequence change replaces valine, which is neutral and non-polar, with isoleucine, which is neutral and non-polar, at codon 430 of the FANCB protein (p.Val430Ile). This variant is not present in population databases (gnomAD no frequency). This variant has not been reported in the literature in individuals affected with FANCB-related conditions. ClinVar contains an entry for this variant (Variation ID: 650498). Invitae Evidence Modeling of protein sequence and biophysical properties (such as structural, functional, and spatial information, amino acid conservation, physicochemical variation, residue mobility, and thermodynamic stability) indicates that this missense variant is not expected to disrupt FANCB protein function with a negative predictive value of 80%. In summary, the available evidence is currently insufficient to determine the role of this variant in disease. Therefore, it has been classified as a Variant of Uncertain Significance.

NM_001018113.3(FANCB):c.1288G>A (p.Val430Ile)

Gene: FANCB (FA complementation group B; minus strand). Cytogenetic location: Xp22.2.
Variant type: single nucleotide variant.
Coding change: c.1288G>A on transcript NM_001018113.3 (MANE Select); coding-DNA position 1288, G replaced by A.
Protein change: p.Val430Ile; replaces valine 430 with isoleucine.
Molecular consequence: missense variant.
Genome position (GRCh38, 1-based): chrX:14,853,077, C>T on the plus strand (G>A on the coding strand, the complement: FANCB is on the minus strand). VCF-style: chrX-14853077-C-T. GRCh37 (hg19) VCF-style: chrX-14871199-C-T.
Other names: c.1288G>A, p.Val430Ile (NM_001324162.2, NM_152633.4); short protein forms V430I.
Identifiers: ClinVar variation 650498 (VCV000650498.8), dbSNP rs1018343095, ClinGen allele CA412442442.
Genomic context (GRCh38, chrX:14,853,077, plus strand): 5'-ATGGTCACATGATTACTTTTACCTCCTCTGCACTTGACGTATTATCATCTTTTCCTTGAA[C>T]TAGGTTTATTAAAGCTTTGTAAGATTTTGAAATAATTTTTTCCTTAAGCAACAGATGCTG-3'
Protein context (NP_001018123.1, residues 420-440): SKSYKALINL[Val430Ile]QGKDDNTSSA